The following is an entry in ClinVar:

NM_030943.4(AMN):c.1169+17_1169+36del

Gene: AMN (amnion associated transmembrane protein; plus strand). Cytogenetic location: 14q32.32.
Variant type: Deletion.
Coding change: c.1169+17_1169+36del on transcript NM_030943.4 (MANE Select); bases 17 to 36 of the intron after coding-DNA position 1169, 20 bases deleted (CGCGGAGGTGGGGCTGGGGG).
Molecular consequence: intron variant.
Genome position (GRCh38, 1-based): chr14:102,930,344-102,930,363, CGCGGAGGTGGGGCTGGGGG deleted; deleting any 20 consecutive bases within chr14:102,930,339-102,930,363 gives the same sequence; the c. name uses the placement nearest the transcript's 3' end. VCF-style (leftmost placement, unchanged base first): chr14-102930338-CGGGGGCGCGGAGGTGGGGCT-C. GRCh37 (hg19) VCF-style: chr14-103396675-CGGGGGCGCGGAGGTGGGGCT-C.
Identifiers: ClinVar variation 2861332 (VCV002861332.3), dbSNP rs2542701736, ClinGen allele CA2739278844.

ClinVar aggregate classification (germline): Uncertain significance (1 of 4 stars; one submission).

Conditions:
Imerslund-Grasbeck syndrome. Also called: PERNICIOUS ANEMIA, JUVENILE, DUE TO SELECTIVE INTESTINAL MALABSORPTION OF VITAMIN B12, WITH PROTEINURIA; ENTEROCYTE COBALAMIN MALABSORPTION; ENTEROCYTE INTRINSIC FACTOR RECEPTOR, DEFECT OF; Imerslund-Gräsbeck syndrome; Megaloblastic anemia due to inborn errors of metabolism. Identifiers: Orphanet 35858, MedGen C4551825, MONDO:0009853.

Submission:

Labcorp Genetics (formerly Invitae), Labcorp
Classification: Uncertain significance for Imerslund-Grasbeck syndrome. Last evaluated: 2023-06-25. Review status: criteria provided, single submitter. Criteria: Invitae Variant Classification Sherloc (09022015). Collection method: clinical testing. Allele origin: germline.
Comment: In summary, the available evidence is currently insufficient to determine the role of this variant in disease. Therefore, it has been classified as a Variant of Uncertain Significance. Algorithms developed to predict the effect of sequence changes on RNA splicing suggest that this variant is not likely to affect RNA splicing. This variant has been observed in individual(s) with clinical features of Imerslund-Gräsbeck syndrome (Invitae). This variant is not present in population databases (gnomAD no frequency). This sequence change falls in intron 10 of the AMN gene. It does not directly change the encoded amino acid sequence of the AMN protein.